The following is an entry in ClinVar:

ClinVar aggregate classification (germline): Uncertain significance (1 of 4 stars; one submission).

Conditions:
Mucopolysaccharidosis, MPS-IV-A (MPS4A). Also called: Mucopolysaccharidosis type IV A; Mucopolysaccharidosis Type IVA; Morquio syndrome A, mild; MORQUIO SYNDROME A; MPS IVA; mucopolysaccharidosis type 4A. Identifiers: Orphanet 309297, Orphanet 582, MedGen C0086651, MONDO:0009659, OMIM 253000.

Submission:

Laboratory of Diagnosis and Therapy of Lysosomal Disorders, University of Padova
Classification: Uncertain significance for Mucopolysaccharidosis, MPS-IV-A. Last evaluated: 2021-02-01. Review status: criteria provided, single submitter. Criteria: ACMG Guidelines, 2015. Collection method: curation. Allele origin: germline. Affected: yes.
Comment: Absent from gnomAD v2.1.1 (PM2_moderate)

Literature cited by the submitters: PubMed 24389823; PubMed 34387910.

NM_000512.5(GALNS):c.317A>G (p.Asn106Ser)

Gene: GALNS (galactosamine (N-acetyl)-6-sulfatase; minus strand). Cytogenetic location: 16q24.3.
Variant type: single nucleotide variant.
Coding change: c.317A>G on transcript NM_000512.5 (MANE Select); coding-DNA position 317, A replaced by G.
Protein change: p.Asn106Ser; replaces asparagine 106 with serine.
Molecular consequence: missense variant. On other transcripts: 5 prime UTR variant (1).
Genome position (GRCh38, 1-based): chr16:88,841,899, T>C on the plus strand (A>G on the coding strand, the complement: GALNS is on the minus strand). VCF-style: chr16-88841899-T-C. GRCh37 (hg19) VCF-style: chr16-88908307-T-C.
Other names: c.-239A>G (NM_001323543.2); c.335A>G, p.Asn112Ser (NM_001323544.2); short protein forms N106S, N112S.
Identifiers: ClinVar variation 1048184 (VCV001048184.3), dbSNP rs2143005070, ClinGen allele CA397088897.
Genomic context (GRCh38, chr16:88,841,899, plus strand): 5'-AGCCCACCTGCCCAACCCTGCACCCCAAGGGTGTCCCTGGAGGCGGTGGGCAGCCTACCG[T>C]TTCTGGCATGGGCGTTGGTGGTGTAGAAGCCATTGCGGATGGGTAGCCGTCCTGTGAGCA-3'
Protein context (NP_000503.1, residues 96-116): GFYTTNAHAR[Asn106Ser]AYTPQEIVGG